The following is an entry in ClinVar:

NC_000015.9:g.(?_28090085)_(28277329_?)dup

Gene: OCA2 (OCA2 melanosomal transmembrane protein; minus strand). Cytogenetic location: 15q12-13.1.
Variant type: Duplication.
Identifiers: ClinVar variation 2422780 (VCV002422780.4).

ClinVar aggregate classification (germline): Pathogenic (1 of 4 stars; one submission).

Submission:

Labcorp Genetics (formerly Invitae), Labcorp
Classification: Pathogenic. Last evaluated: 2023-11-11. Review status: criteria provided, single submitter. Criteria: Invitae Variant Classification Sherloc (09022015). Collection method: clinical testing. Allele origin: germline.
Comment: This variant results in a copy number gain of the genomic region encompassing exon(s) 3-23 of the OCA2 gene. While the exact position of this variant cannot be determined from the data, sub-genic copy number gains are generally in tandem (PMID: 25640679). This variant is predicted to be in-frame, and likely preserves the integrity of the reading frame. A similar copy number variant has been observed in individual(s) with ocular albinism (Invitae). In at least one individual the data is consistent with being in trans (on the opposite chromosome) from a pathogenic variant. For these reasons, this variant has been classified as Pathogenic.

Literature cited by the submitters: PubMed 25640679.